The following is an entry in ClinVar:

NM_182641.4(BPTF):c.790C>G (p.Pro264Ala)

Gene: BPTF (bromodomain PHD finger transcription factor; plus strand). Cytogenetic location: 17q24.2.
Variant type: single nucleotide variant.
Coding change: c.790C>G on transcript NM_182641.4 (MANE Select); coding-DNA position 790, C replaced by G.
Protein change: p.Pro264Ala; replaces proline 264 with alanine.
Molecular consequence: missense variant.
Genome position (GRCh38, 1-based): chr17:67,854,116, C>G. VCF-style: chr17-67854116-C-G. GRCh37 (hg19) VCF-style: chr17-65850232-C-G.
Other names: c.790C>G, p.Pro264Ala (NM_004459.7); c.790C>G (NM_182641.3); short protein forms P264A.
Identifiers: ClinVar variation 3013819 (VCV003013819.4), dbSNP rs201658052, ClinGen allele CA8725063.

ClinVar aggregate classification (germline): Uncertain significance. Review status: criteria provided, multiple submitters, no conflicts (2 of 4 stars). 2 submissions from 2 submitters: Uncertain significance (2). Last evaluated 2025-12-16.

Conditions:
Inborn genetic diseases. Identifiers: MedGen C0950123, MeSH D030342.

Allele frequency attached by ClinVar (database versions not stated): gnomAD exomes below 0.00001; gnomAD 0.00001; ExAC 0.00002; TOPMed 0.00002; 1000 Genomes Project 30x 0.00016; 1000 Genomes Project 0.00020.
gnomAD v4.1: 10 of 1,614,208 alleles (0.00062%); highest among the groups gnomAD compares: Admixed American, 0.012%; no homozygotes.

Submissions (2):

Ambry Genetics
Classification: Uncertain significance for Inborn genetic diseases. Last evaluated: 2025-12-16. Review status: criteria provided, single submitter. Criteria: Ambry Variant Classification Scheme 2023. Collection method: clinical testing. Allele origin: germline.
Comment: The c.790C>G (p.P264A) alteration is located in exon 2 (coding exon 2) of the BPTF gene. This alteration results from a C to G substitution at nucleotide position 790, causing the proline (P) at amino acid position 264 to be replaced by an alanine (A). Based on data from gnomAD, the G allele has an overall frequency of <0.001% (1/251466) total alleles studied. The highest observed frequency was 0.003% (1/34592) of Latino alleles. Based on insufficient or conflicting evidence, the clinical significance of this alteration remains unclear.

Labcorp Genetics (formerly Invitae), Labcorp
Classification: Uncertain significance. Last evaluated: 2025-02-17. Review status: criteria provided, single submitter. Criteria: Invitae Variant Classification Sherloc (09022015). Collection method: clinical testing. Allele origin: germline.
Comment: This sequence change replaces proline, which is neutral and non-polar, with alanine, which is neutral and non-polar, at codon 264 of the BPTF protein (p.Pro264Ala). This variant is present in population databases (rs201658052, gnomAD 0.003%). This variant has not been reported in the literature in individuals affected with BPTF-related conditions. ClinVar contains an entry for this variant (Variation ID: 3013819). An algorithm developed to predict the effect of missense changes on protein structure and function (PolyPhen-2) suggests that this variant is likely to be disruptive. In summary, the available evidence is currently insufficient to determine the role of this variant in disease. Therefore, it has been classified as a Variant of Uncertain Significance.